The following is an entry in ClinVar:

ClinVar aggregate classification (germline): Uncertain significance. Review status: criteria provided, multiple submitters, no conflicts (2 of 4 stars). 3 submissions from 3 submitters: Uncertain significance (3). Last evaluated 2022-08-17.

Conditions:
Chondrodysplasia with joint dislocations, gPAPP type. Also called: GPAPP DEFICIENCY. Identifiers: Orphanet 280586, MedGen C3279757, MONDO:0013561, OMIM 614078.

Allele frequency attached by ClinVar (database versions not stated): ExAC 0.00020; 1000 Genomes Project 30x 0.00031; gnomAD exomes 0.00031; 1000 Genomes Project 0.00040; gnomAD 0.00042 and 0.00043; ESP Exome Variant Server 0.00046; TOPMed 0.00047.

Submissions (3):

Labcorp Genetics (formerly Invitae), Labcorp
Classification: Uncertain significance. Last evaluated: 2022-08-17. Review status: criteria provided, single submitter. Criteria: Invitae Variant Classification Sherloc (09022015). Collection method: clinical testing. Allele origin: germline.
Comment: This sequence change replaces arginine, which is basic and polar, with glutamine, which is neutral and polar, at codon 187 of the IMPAD1 protein (p.Arg187Gln). This variant is present in population databases (rs139520829, gnomAD 0.05%). This variant has not been reported in the literature in individuals affected with IMPAD1-related conditions. ClinVar contains an entry for this variant (Variation ID: 910384). Algorithms developed to predict the effect of missense changes on protein structure and function are either unavailable or do not agree on the potential impact of this missense change (SIFT: "Tolerated"; PolyPhen-2: "Possibly Damaging"; Align-GVGD: "Class C0"). In summary, the available evidence is currently insufficient to determine the role of this variant in disease. Therefore, it has been classified as a Variant of Uncertain Significance.

Ambry Genetics
Classification: Uncertain significance. Last evaluated: 2021-09-17. Review status: criteria provided, single submitter. Criteria: Ambry Variant Classification Scheme 2023. Collection method: clinical testing. Allele origin: germline.

Illumina Laboratory Services, Illumina
Classification: Uncertain significance for Chondrodysplasia with joint dislocations, gPAPP type. Last evaluated: 2018-01-13. Review status: criteria provided, single submitter. Criteria: ICSL Variant Classification Criteria 13 December 2019. Collection method: clinical testing. Allele origin: germline.

NM_017813.5(BPNT2):c.560G>A (p.Arg187Gln)

Gene: BPNT2 (3'(2'), 5'-bisphosphate nucleotidase 2; minus strand). Cytogenetic location: 8q12.1.
Variant type: single nucleotide variant.
Coding change: c.560G>A on transcript NM_017813.5 (MANE Select); coding-DNA position 560, G replaced by A.
Protein change: p.Arg187Gln; replaces arginine 187 with glutamine.
Molecular consequence: missense variant.
Genome position (GRCh38, 1-based): chr8:56,978,136, C>T on the plus strand (G>A on the coding strand, the complement: BPNT2 is on the minus strand). VCF-style: chr8-56978136-C-T. GRCh37 (hg19) VCF-style: chr8-57890695-C-T.
Other names: c.560G>A (NM_017813.3); short protein forms R187Q.
Identifiers: ClinVar variation 910384 (VCV000910384.8), dbSNP rs139520829, ClinGen allele CA4755879.